The following is an entry in ClinVar:

ClinVar aggregate classification (germline): Conflicting classifications of pathogenicity. Review status: criteria provided, conflicting classifications (1 of 4 stars). 3 submissions from 3 submitters: Uncertain significance (2); Likely benign (1). Last evaluated 2024-11-06.

Conditions:
Joubert syndrome 18 (JBTS18). Identifiers: Orphanet 2754, MedGen C3553758, MONDO:0013896, OMIM 614815.
Orofacial-digital syndrome IV (OFD4). Also called: Orofaciodigital syndrome IV; BARAITSER-BURN SYNDROME; MOHR-MAJEWSKI SYNDROME; OFD SYNDROME WITH TIBIAL DEFECTS; OFD SYNDROME, BARAITSER-BURN TYPE; OFDS IV. Identifiers: Orphanet 2753, MedGen C0406727, MONDO:0009794, OMIM 258860.
Inborn genetic diseases. Identifiers: MedGen C0950123, MeSH D030342.

Allele frequency attached by ClinVar (database versions not stated): gnomAD exomes 0.00022; ExAC 0.00024; gnomAD 0.00026; TOPMed 0.00026; ESP Exome Variant Server 0.00038.

Submissions (3):

Blueprint Genetics
Classification: Likely benign. Last evaluated: 2024-11-06. Review status: criteria provided, single submitter. Criteria: ACMG Guidelines, 2015. Collection method: clinical testing. Allele origin: germline.

Labcorp Genetics (formerly Invitae), Labcorp
Classification: Uncertain significance for Joubert syndrome 18; Orofacial-digital syndrome IV. Last evaluated: 2022-10-13. Review status: criteria provided, single submitter. Criteria: Invitae Variant Classification Sherloc (09022015). Collection method: clinical testing. Allele origin: germline.
Comment: This sequence change replaces alanine, which is neutral and non-polar, with valine, which is neutral and non-polar, at codon 468 of the TCTN3 protein (p.Ala468Val). This variant is present in population databases (rs140103426, gnomAD 0.04%). This variant has not been reported in the literature in individuals affected with TCTN3-related conditions. ClinVar contains an entry for this variant (Variation ID: 1521263). Advanced modeling of protein sequence and biophysical properties (such as structural, functional, and spatial information, amino acid conservation, physicochemical variation, residue mobility, and thermodynamic stability) performed at Invitae indicates that this missense variant is not expected to disrupt TCTN3 protein function. In summary, the available evidence is currently insufficient to determine the role of this variant in disease. Therefore, it has been classified as a Variant of Uncertain Significance.

Ambry Genetics
Classification: Uncertain significance for Inborn genetic diseases. Last evaluated: 2021-09-15. Review status: criteria provided, single submitter. Criteria: Ambry Variant Classification Scheme 2023. Collection method: clinical testing. Allele origin: germline.

NM_015631.6(TCTN3):c.1403C>T (p.Ala468Val)

Gene: TCTN3 (tectonic family member 3; minus strand). Cytogenetic location: 10q24.1.
Variant type: single nucleotide variant.
Coding change: c.1403C>T on transcript NM_015631.6 (MANE Select); coding-DNA position 1403, C replaced by T.
Protein change: p.Ala468Val; replaces alanine 468 with valine.
Molecular consequence: missense variant.
Genome position (GRCh38, 1-based): chr10:95,682,700, G>A on the plus strand (C>T on the coding strand, the complement: TCTN3 is on the minus strand). VCF-style: chr10-95682700-G-A. GRCh37 (hg19) VCF-style: chr10-97442457-G-A.
Other names: c.1403C>T (NM_015631.5); c.959C>T, p.Ala320Val (NM_001143973.2); short protein forms A468V, A320V.
Identifiers: ClinVar variation 1521263 (VCV001521263.5), dbSNP rs140103426, ClinGen allele CA5620848.